The following is an entry in ClinVar:

NM_012330.4(KAT6B):c.3509C>T (p.Pro1170Leu)

Gene: KAT6B (lysine acetyltransferase 6B; plus strand). Cytogenetic location: 10q22.2.
Variant type: single nucleotide variant.
Coding change: c.3509C>T on transcript NM_012330.4 (MANE Select); coding-DNA position 3509, C replaced by T.
Protein change: p.Pro1170Leu; replaces proline 1170 with leucine.
Molecular consequence: missense variant.
Genome position (GRCh38, 1-based): chr10:75,025,094, C>T. VCF-style: chr10-75025094-C-T. GRCh37 (hg19) VCF-style: chr10-76784852-C-T.
Other names: c.2960C>T, p.Pro987Leu (NM_001256468.2, NM_001370138.1); c.2633C>T, p.Pro878Leu (NM_001256469.2, NM_001370139.1, NM_001370140.1 and 2 more transcripts); c.2471C>T, p.Pro824Leu (NM_001370132.1); c.1820C>T, p.Pro607Leu (NM_001370133.1); c.1424C>T, p.Pro475Leu (NM_001370134.1); c.1166C>T, p.Pro389Leu (NM_001370135.1); c.3509C>T, p.Pro1170Leu (NM_001370136.1, NM_001370137.1); c.2444C>T, p.Pro815Leu (NM_001370143.1, NM_001370144.1); short protein forms P607L, P475L, P878L, P987L, P1170L, P389L, P815L, P824L.
Identifiers: ClinVar variation 2796431 (VCV002796431.3), dbSNP rs1845718784, ClinGen allele CA377287867.

ClinVar aggregate classification (germline): Uncertain significance (1 of 4 stars; one submission).

Conditions:
Genitopatellar syndrome (GTPTS). Also called: Genitopatellar syndrome (GPS); ABSENT PATELLAE, SCROTAL HYPOPLASIA, RENAL ANOMALIES, FACIAL DYSMORPHISM, AND MENTAL RETARDATION. Identifiers: Orphanet 85201, MedGen C1853566, MONDO:0011640, OMIM 606170.

Submission:

Labcorp Genetics (formerly Invitae), Labcorp
Classification: Uncertain significance for Genitopatellar syndrome. Last evaluated: 2023-10-20. Review status: criteria provided, single submitter. Criteria: Invitae Variant Classification Sherloc (09022015). Collection method: clinical testing. Allele origin: germline.
Comment: This sequence change replaces proline, which is neutral and non-polar, with leucine, which is neutral and non-polar, at codon 1170 of the KAT6B protein (p.Pro1170Leu). This variant is not present in population databases (gnomAD no frequency). This variant has not been reported in the literature in individuals affected with KAT6B-related conditions. Advanced modeling of protein sequence and biophysical properties (such as structural, functional, and spatial information, amino acid conservation, physicochemical variation, residue mobility, and thermodynamic stability) has been performed at Invitae for this missense variant, however the output from this modeling did not meet the statistical confidence thresholds required to predict the impact of this variant on KAT6B protein function. In summary, the available evidence is currently insufficient to determine the role of this variant in disease. Therefore, it has been classified as a Variant of Uncertain Significance.